The following is an entry in ClinVar:

NM_033305.3(VPS13A):c.1978C>T (p.Gln660Ter)

Gene: VPS13A (vacuolar protein sorting 13 homolog A; plus strand). Cytogenetic location: 9q21.2.
Variant type: single nucleotide variant.
Coding change: c.1978C>T on transcript NM_033305.3 (MANE Select); coding-DNA position 1978, C replaced by T.
Protein change: p.Gln660Ter; replaces glutamine 660 with a stop codon.
Molecular consequence: nonsense.
Genome position (GRCh38, 1-based): chr9:77,247,336, C>T. VCF-style: chr9-77247336-C-T. GRCh37 (hg19) VCF-style: chr9-79862252-C-T.
Other names: c.1978C>T, p.Gln660Ter (NM_001018037.2, NM_001018038.3, NM_015186.4); short protein forms Q660*.
Identifiers: ClinVar variation 2705698 (VCV002705698.3), dbSNP rs2537702005, ClinGen allele CA373849030.
Genomic context (GRCh38, chr9:77,247,336, plus strand): 5'-GAAACACAGAAAGTTCTTGATCTCAAAATTAATTTGAAGGCTTCATATATTATTGTCCCA[C>T]AAGATGGAATTTTTAGTCCTACATCAAATCTGCTTCTTTTGGACCTTGGTCATCTAAAGG-3'

ClinVar aggregate classification (germline): Pathogenic (1 of 4 stars; one submission).

Submission:

Labcorp Genetics (formerly Invitae), Labcorp
Classification: Pathogenic. Last evaluated: 2023-12-26. Review status: criteria provided, single submitter. Criteria: Invitae Variant Classification Sherloc (09022015). Collection method: clinical testing. Allele origin: germline.
Comment: This sequence change creates a premature translational stop signal (p.Gln660*) in the VPS13A gene. It is expected to result in an absent or disrupted protein product. Loss-of-function variants in VPS13A are known to be pathogenic (PMID: 12404112, 21598378). This variant is not present in population databases (gnomAD no frequency). This variant has not been reported in the literature in individuals affected with VPS13A-related conditions. Algorithms developed to predict the effect of sequence changes on RNA splicing suggest that this variant may disrupt the consensus splice site. For these reasons, this variant has been classified as Pathogenic.

Literature cited by the submitters: PubMed 12404112; PubMed 21598378.